The following is an entry in ClinVar:

ClinVar aggregate classification (germline): Pathogenic. Review status: criteria provided, multiple submitters, no conflicts (2 of 4 stars). 6 submissions from 6 submitters: Pathogenic (4). 2 of the submissions do not count toward it. Last evaluated 2026-02-25.

Conditions:
CYP27A1-related disorder. Also called: CYP27A1-related condition.
Cholestanol storage disease (CTX). Also called: CEREBRAL CHOLESTERINOSIS; Cerebrotendinous Xanthomatosis; CTX: Cerebrotendinous xanthomatosis. Identifiers: Orphanet 909, MedGen C0238052, MONDO:0008948, OMIM 213700.

Allele frequency attached by ClinVar (database versions not stated): gnomAD exomes below 0.00001; TOPMed below 0.00001; ExAC 0.00001.

Submissions (6):

PreventionGenetics, part of Exact Sciences
Classification: Pathogenic for CYP27A1-related condition. Last evaluated: 2026-02-25. Review status: criteria provided, single submitter. Criteria: ACMG Guidelines, 2015. Collection method: clinical testing. Allele origin: germline.
Comment: The CYP27A1 c.819delT variant is predicted to result in a frameshift and premature protein termination (p.Asp273Glufs*13). This variant has been reported in the homozygous state or with a second CYP27A1 variant in individuals with cerebrotendinous xanthomatosis (Leitersdorf et al. 1993. PubMed ID: 8514861; referred to as 1253delT, Yahalom et al. 2013. PubMed ID: 23673909; Zaccai et al. 2024. PubMed ID: 38288684) and has been noted to be common in individuals of Moroccan Jewish ancestry (Yahalom et al. 2013. PubMed ID: 23673909). This variant is reported in 0.00088% of alleles in individuals of European (non-Finnish) descent in gnomAD. Frameshift variants in CYP27A1 are expected to be pathogenic. This variant is interpreted as pathogenic.

Natera, Inc.
Classification: Pathogenic for Cerebrotendinous xanthomatosis. Last evaluated: 2025-09-23. Review status: criteria provided, single submitter. Criteria: Natera Variant Classification Schema (03/2026). Collection method: clinical testing. Allele origin: germline.
Comment: The c.819delT variant in CYP27A1 is a frameshift variant predicted to shift the reading frame beginning at codon 273 and leads to a stop codon 13 codons downstream. This variant is expected to result in nonsense mediated decay, truncation, or a dysfunctional protein product. This variant is rare in the general population with a frequency below the threshold expected for the associated phenotype(s). This variant has been observed in one or more individuals affected with the associated recessive disease, as either homozygous or compound heterozygous with a second variant (PMID: 27888347, 8514861). Given the available evidence, this variant is classified as Pathogenic.

Labcorp Genetics (formerly Invitae), Labcorp
Classification: Pathogenic for Cholestanol storage disease. Last evaluated: 2024-02-02. Review status: criteria provided, single submitter. Criteria: Invitae Variant Classification Sherloc (09022015). Collection method: clinical testing. Allele origin: germline.
Comment: This sequence change creates a premature translational stop signal (p.Asp273Glufs*13) in the CYP27A1 gene. It is expected to result in an absent or disrupted protein product. Loss-of-function variants in CYP27A1 are known to be pathogenic (PMID: 9392430, 10775536, 26937392). This variant is present in population databases (rs587778812, gnomAD 0.0009%). This premature translational stop signal has been observed in individuals with cerebrotendinous xanthomatosis (PMID: 8514861). ClinVar contains an entry for this variant (Variation ID: 65903). Algorithms developed to predict the effect of sequence changes on RNA splicing suggest that this variant may create or strengthen a splice site. For these reasons, this variant has been classified as Pathogenic.

Fulgent Genetics
Classification: Pathogenic for Cholestanol storage disease. Last evaluated: 2021-10-06. Review status: criteria provided, single submitter. Criteria: ACMG Guidelines, 2015. Collection method: clinical testing. Allele origin: unknown.

Counsyl
Classification: Pathogenic for Cholestanol storage disease. Last evaluated: 2017-03-21. Review status: no assertion criteria provided. Collection method: clinical testing. Allele origin: unknown. Not counted in ClinVar's aggregate classification.

GeneReviews
Classification: Pathogenic for Cerebrotendinous Xanthomatosis. Last evaluated: 2013-08-01. Review status: no assertion criteria provided. Collection method: curation. Allele origin: unknown. Not counted in ClinVar's aggregate classification.
ClinVar note: Converted during submission from pathologic to Pathogenic.

Literature cited by the submitters: PubMed 27888347 (cited by Natera, Inc.); PubMed 8514861 (cited by 3 submitters); PubMed 9392430 (cited by Labcorp Genetics (formerly Invitae), Labcorp); PubMed 10775536 (cited by Labcorp Genetics (formerly Invitae), Labcorp); PubMed 26937392 (cited by Labcorp Genetics (formerly Invitae), Labcorp).

NM_000784.4(CYP27A1):c.819del (p.Asp273fs)

Gene: CYP27A1 (cytochrome P450 family 27 subfamily A member 1; plus strand). Cytogenetic location: 2q35.
Variant type: Deletion.
Coding change: c.819del on transcript NM_000784.4 (MANE Select); coding-DNA position 819, one base deleted (T; older notation c.819delT).
Protein change: p.Asp273fs; shifts the reading frame from aspartic acid 273.
Molecular consequence: frameshift variant.
Genome position (GRCh38, 1-based): chr2:218,812,724, T deleted. VCF-style (leftmost placement, unchanged base first): chr2-218812723-AT-A. GRCh37 (hg19) VCF-style: chr2-219677446-AT-A.
Other names: c.819delT; short protein forms D273fs.
Identifiers: ClinVar variation 65903 (VCV000065903.21), dbSNP rs587778812, ClinGen allele CA345243.
Genomic context (GRCh38, chr2:218,812,723, plus strand): 5'-ATGCCACCTTCCTCCCCAAGTGGACTCGCCCCGTGCTGCCTTTCTGGAAGCGATACCTGG[AT>A]GGTTGGAATGCCATCTTTTCCTTTGGTGAGGACTCCCAGATGGGGCCCAGGGAAGAGAGA-3'